The following is an entry in ClinVar:

ClinVar aggregate classification (germline): Likely benign. Review status: criteria provided, multiple submitters, no conflicts (2 of 4 stars). 3 submissions from 3 submitters: Likely benign (2). 1 of the submissions does not count toward it. Last evaluated 2024-02-23.

Conditions:
PKHD1-related disorder. Also called: PKHD1-related condition.
Autosomal recessive polycystic kidney disease (ARPKD). Also called: AR polycystic kidney disease. Identifiers: Orphanet 731, Orphanet 8378, MedGen C0085548, MeSH D017044, MONDO:0009889.

Allele frequency attached by ClinVar (database versions not stated): gnomAD exomes below 0.00001 and 0.00001; TOPMed below 0.00001.
gnomAD v4.1: 5 of 1,614,004 alleles (0.00031%); highest among the groups gnomAD compares: Admixed American, 0.005%; no homozygotes.

Submissions (3):

Labcorp Genetics (formerly Invitae), Labcorp
Classification: Likely benign for Autosomal recessive polycystic kidney disease. Last evaluated: 2024-02-23. Review status: criteria provided, single submitter. Criteria: Invitae Variant Classification Sherloc (09022015). Collection method: clinical testing. Allele origin: germline.

CeGaT Center for Human Genetics Tuebingen
Classification: Likely benign. Last evaluated: 2023-12-01. Review status: criteria provided, single submitter. Criteria: CeGaT Center For Human Genetics Tuebingen Variant Classification Criteria Version 2. Collection method: clinical testing. Allele origin: germline. Affected: yes. Observed: 1 variant allele.
Comment: PKHD1: BP4, BP7

PreventionGenetics, part of Exact Sciences
Classification: Likely benign for PKHD1-related condition. Last evaluated: 2022-06-28. Review status: no assertion criteria provided. Collection method: clinical testing. Allele origin: germline. Not counted in ClinVar's aggregate classification.
Comment: This variant is classified as likely benign based on ACMG/AMP sequence variant interpretation guidelines (Richards et al. 2015 PMID: 25741868, with internal and published modifications).

NM_138694.4(PKHD1):c.8430G>A (p.Glu2810=)

Gene: PKHD1 (PKHD1 ciliary IPT domain containing fibrocystin/polyductin; minus strand). Cytogenetic location: 6p12.3.
Variant type: single nucleotide variant.
Coding change: c.8430G>A on transcript NM_138694.4 (MANE Select); coding-DNA position 8430, G replaced by A.
Protein change: p.Glu2810=; no amino-acid change (glutamic acid 2810 retained).
Molecular consequence: synonymous variant.
Genome position (GRCh38, 1-based): chr6:51,791,246, C>T on the plus strand (G>A on the coding strand, the complement: PKHD1 is on the minus strand). VCF-style: chr6-51791246-C-T. GRCh37 (hg19) VCF-style: chr6-51656044-C-T.
Other names: c.8430G>A (NM_138694.3); c.8430G>A, p.Glu2810= (NM_170724.3).
Identifiers: ClinVar variation 1117088 (VCV001117088.32), dbSNP rs1188949424, ClinGen allele CA450415188.